The following is an entry in ClinVar:

NM_000264.5(PTCH1):c.3232C>T (p.Leu1078Phe)

Gene: PTCH1 (patched 1; minus strand). Cytogenetic location: 9q22.32.
Variant type: single nucleotide variant.
Coding change: c.3232C>T on transcript NM_000264.5 (MANE Select); coding-DNA position 3232, C replaced by T.
Protein change: p.Leu1078Phe; replaces leucine 1078 with phenylalanine.
Molecular consequence: missense variant. On other transcripts: non-coding transcript variant (1).
Genome position (GRCh38, 1-based): chr9:95,456,350, G>A on the plus strand (C>T on the coding strand, the complement: PTCH1 is on the minus strand). VCF-style: chr9-95456350-G-A. GRCh37 (hg19) VCF-style: chr9-98218632-G-A.
Other names: c.3034C>T, p.Leu1012Phe (NM_001083602.3); c.3229C>T, p.Leu1077Phe (NM_001083603.3); c.2779C>T, p.Leu927Phe (NM_001083604.3, NM_001083605.3, NM_001083606.3 and 1 more transcripts); c.3076C>T, p.Leu1026Phe (NM_001354918.2); short protein forms L1012F, L1078F, L927F, L1077F, L1026F.
Identifiers: ClinVar variation 2560651 (VCV002560651.7), dbSNP rs2136649024, ClinGen allele CA374112099.

ClinVar aggregate classification (germline): Uncertain significance. Review status: criteria provided, multiple submitters, no conflicts (2 of 4 stars). 2 submissions from 2 submitters: Uncertain significance (2). Last evaluated 2026-07-29.

Conditions:
Gorlin syndrome. Also called: Nevoid Basal Cell Carcinoma Syndrome; Basal cell nevus syndrome. Identifiers: Orphanet 377, MedGen C0004779, MONDO:0007187.
Hereditary cancer-predisposing syndrome. Also called: Hereditary Cancer Syndrome; Hereditary neoplastic syndrome; Neoplastic Syndromes, Hereditary; Tumor predisposition. Identifiers: Orphanet 140162, MedGen C0027672, MeSH D009386, MONDO:0015356.

gnomAD v4.1: 2 of 1,614,144 alleles (0.00012%); highest among the groups gnomAD compares: African/African-American, 0.0013%; no homozygotes.

Submissions (2):

Ambry Genetics
Classification: Uncertain significance for Hereditary cancer-predisposing syndrome. Last evaluated: 2026-07-29. Review status: criteria provided, single submitter. Criteria: Ambry Variant Classification Scheme 2023. Collection method: clinical testing. Allele origin: germline.
Comment: The p.L1078F variant (also known as c.3232C>T), located in coding exon 19 of the PTCH1 gene, results from a C to T substitution at nucleotide position 3232. The leucine at codon 1078 is replaced by phenylalanine, an amino acid with highly similar properties. This amino acid position is highly conserved in available vertebrate species. In addition, this alteration is predicted to be deleterious by in silico analysis. Based on the available evidence, the clinical significance of this variant remains unclear.

Labcorp Genetics (formerly Invitae), Labcorp
Classification: Uncertain significance for Gorlin syndrome. Last evaluated: 2023-03-04. Review status: criteria provided, single submitter. Criteria: Invitae Variant Classification Sherloc (09022015). Collection method: clinical testing. Allele origin: germline.
Comment: This variant is not present in population databases (gnomAD no frequency). This sequence change replaces leucine, which is neutral and non-polar, with phenylalanine, which is neutral and non-polar, at codon 1078 of the PTCH1 protein (p.Leu1078Phe). This variant has not been reported in the literature in individuals affected with PTCH1-related conditions. Advanced modeling of protein sequence and biophysical properties (such as structural, functional, and spatial information, amino acid conservation, physicochemical variation, residue mobility, and thermodynamic stability) performed at Invitae indicates that this missense variant is not expected to disrupt PTCH1 protein function. In summary, the available evidence is currently insufficient to determine the role of this variant in disease. Therefore, it has been classified as a Variant of Uncertain Significance.